The following is an entry in ClinVar:

ClinVar aggregate classification (germline): Uncertain significance (1 of 4 stars; one submission).

Allele frequency attached by ClinVar (database versions not stated): TOPMed below 0.00001; gnomAD 0.00001.
gnomAD v4.1: 1 of 1,613,804 alleles (0.000062%); highest among the groups gnomAD compares: Admixed American, 0.0017%; no homozygotes.

Submission:

Labcorp Genetics (formerly Invitae), Labcorp
Classification: Uncertain significance. Last evaluated: 2023-06-29. Review status: criteria provided, single submitter. Criteria: Invitae Variant Classification Sherloc (09022015). Collection method: clinical testing. Allele origin: germline.
Comment: This variant is not present in population databases (gnomAD no frequency). This sequence change replaces proline, which is neutral and non-polar, with arginine, which is basic and polar, at codon 1025 of the HR protein (p.Pro1025Arg). This variant has not been reported in the literature in individuals affected with HR-related conditions. In summary, the available evidence is currently insufficient to determine the role of this variant in disease. Therefore, it has been classified as a Variant of Uncertain Significance. An algorithm developed to predict the effect of missense changes on protein structure and function (PolyPhen-2) suggests that this variant is likely to be disruptive. ClinVar contains an entry for this variant (Variation ID: 1972406).

NM_005144.5(HR):c.3074C>G (p.Pro1025Arg)

Gene: HR (HR lysine demethylase and nuclear receptor corepressor; minus strand). Cytogenetic location: 8p21.3.
Variant type: single nucleotide variant.
Coding change: c.3074C>G on transcript NM_005144.5 (MANE Select); coding-DNA position 3074, C replaced by G.
Protein change: p.Pro1025Arg; replaces proline 1025 with arginine.
Molecular consequence: missense variant.
Genome position (GRCh38, 1-based): chr8:22,119,187, G>C on the plus strand (C>G on the coding strand, the complement: HR is on the minus strand). VCF-style: chr8-22119187-G-C. GRCh37 (hg19) VCF-style: chr8-21976700-G-C.
Other names: c.3074C>G, p.Pro1025Arg (NM_018411.4); short protein forms P1025R.
Identifiers: ClinVar variation 1972406 (VCV001972406.5), dbSNP rs1826670411, ClinGen allele CA370516404.